The following is an entry in ClinVar:

ClinVar aggregate classification (germline): Conflicting classifications of pathogenicity. Review status: criteria provided, conflicting classifications (1 of 4 stars). 2 submissions from 2 submitters: Uncertain significance (1); Likely benign (1). Last evaluated 2025-02-04.

Conditions:
Inborn genetic diseases. Identifiers: MedGen C0950123, MeSH D030342.

Allele frequency attached by ClinVar (database versions not stated): ExAC 0.00001; gnomAD 0.00001; gnomAD exomes 0.00001; TOPMed 0.00001.
gnomAD v4.1: 9 of 1,612,904 alleles (0.00056%); highest among the groups gnomAD compares: African/African-American, 0.0027%; no homozygotes.

Submissions (2):

Ambry Genetics
Classification: Likely benign for Inborn genetic diseases. Last evaluated: 2025-02-04. Review status: criteria provided, single submitter. Criteria: Ambry Variant Classification Scheme 2023. Collection method: clinical testing. Allele origin: germline.

Labcorp Genetics (formerly Invitae), Labcorp
Classification: Uncertain significance. Last evaluated: 2022-12-22. Review status: criteria provided, single submitter. Criteria: Invitae Variant Classification Sherloc (09022015). Collection method: clinical testing. Allele origin: germline.
Comment: In summary, the available evidence is currently insufficient to determine the role of this variant in disease. Therefore, it has been classified as a Variant of Uncertain Significance. Advanced modeling of protein sequence and biophysical properties (such as structural, functional, and spatial information, amino acid conservation, physicochemical variation, residue mobility, and thermodynamic stability) performed at Invitae indicates that this missense variant is not expected to disrupt CFB protein function. ClinVar contains an entry for this variant (Variation ID: 1360546). This variant has not been reported in the literature in individuals affected with CFB-related conditions. This variant is present in population databases (rs769826070, gnomAD 0.004%). This sequence change replaces arginine, which is basic and polar, with glutamine, which is neutral and polar, at codon 546 of the CFB protein (p.Arg546Gln).

NM_001710.6(CFB):c.1637G>A (p.Arg546Gln)

Gene: CFB (complement factor B; plus strand). Cytogenetic location: 6p21.33.
Variant type: single nucleotide variant.
Coding change: c.1637G>A on transcript NM_001710.6 (MANE Select); coding-DNA position 1637, G replaced by A.
Protein change: p.Arg546Gln; replaces arginine 546 with glutamine.
Molecular consequence: missense variant.
Genome position (GRCh38, 1-based): chr6:31,950,631, G>A. VCF-style: chr6-31950631-G-A. GRCh37 (hg19) VCF-style: chr6-31918408-G-A.
Other names: c.1637G>A (NM_001710.5); short protein forms R546Q.
Identifiers: ClinVar variation 1360546 (VCV001360546.7), dbSNP rs769826070, ClinGen allele CA3728420.
Genomic context (GRCh38, chr6:31,950,631, plus strand): 5'-AGGCAGGAAGCTGCCCACAAAGAGGTGGTACCTACTCTCCTACTTCAGGAGGGGAGAAGC[G>A]GGACCTGGAGATAGAAGTAGTCCTATTTCACCCCAACTACAACATTAATGGGAAAAAAGA-3'
Protein context (NP_001701.2, residues 536-556): SIKVSVGGEK[Arg546Gln]DLEIEVVLFH